The following is an entry in ClinVar:

ClinVar aggregate classification (germline): Uncertain significance (1 of 4 stars; one submission).

Allele frequency attached by ClinVar (database versions not stated): gnomAD exomes 0.00001; gnomAD 0.00002 and 0.00001; TOPMed 0.00003; 1000 Genomes Project 30x 0.00016; 1000 Genomes Project 0.00020.
gnomAD v4.1: 13 of 1,536,960 alleles (0.00085%); highest among the groups gnomAD compares: East Asian, 0.0024%; no homozygotes.

Submission:

GeneDx
Classification: Uncertain significance. Last evaluated: 2018-01-17. Review status: criteria provided, single submitter. Criteria: GeneDx Variant Classification (06012015). Collection method: clinical testing. Allele origin: germline. Affected: yes.
Comment: The E1839K variant in the RNF213 gene has not been reported previously as a pathogenic variant, nor as a benign variant, to our knowledge. The E1839K variant was not observed in approximately 2300 individuals of European and African American ancestry in the NHLBI Exome Sequencing Project, indicating it is not a common benign variant in these populations. The E1839K variant is a non-conservative amino acid substitution, which is likely to impact secondary protein structure as these residues differ in polarity, charge, size and/or other properties. This substitution occurs at a position where amino acids with similar properties to Glutamic Acid are tolerated across species. In silico analysis is inconsistent in its predictions as to whether or not the variant is damaging to the protein structure/function. We interpret E1839K as a variant of uncertain significance.

NM_001256071.3(RNF213):c.5515G>A (p.Glu1839Lys)

Gene: RNF213 (ring finger protein 213; plus strand). Cytogenetic location: 17q25.3.
Variant type: single nucleotide variant.
Coding change: c.5515G>A on transcript NM_001256071.3 (MANE Select); coding-DNA position 5515, G replaced by A.
Protein change: p.Glu1839Lys; replaces glutamic acid 1839 with lysine.
Molecular consequence: missense variant.
Genome position (GRCh38, 1-based): chr17:80,339,882, G>A. VCF-style: chr17-80339882-G-A. GRCh37 (hg19) VCF-style: chr17-78313682-G-A.
Other names: short protein forms E1839K.
Identifiers: ClinVar variation 449586 (VCV000449586.2), dbSNP rs369041141, ClinGen allele CA294912066.